The following is an entry in ClinVar:

ClinVar aggregate classification (germline): Uncertain significance. Review status: criteria provided, multiple submitters, no conflicts (2 of 4 stars). 6 submissions from 6 submitters: Uncertain significance (6). Last evaluated 2025-08-25.

Conditions:
Norman-Roberts syndrome (LIS2). Also called: Lissencephaly 2 (Norman-Roberts type). Identifiers: Orphanet 89844, MedGen C0796089, MONDO:0009760, OMIM 257320.
Familial temporal lobe epilepsy 7. Identifiers: Orphanet 101046, MedGen C4225327, MONDO:0014639, OMIM 616436.
RELN-related disorder. Also called: RELN-related condition.
Inborn genetic diseases. Identifiers: MedGen C0950123, MeSH D030342.

gnomAD v4.1: 20 of 1,613,832 alleles (0.0012%); highest among the groups gnomAD compares: African/African-American, 0.011%; no homozygotes.

Submissions (6):

Labcorp Genetics (formerly Invitae), Labcorp
Classification: Uncertain significance for Familial temporal lobe epilepsy 7; Norman-Roberts syndrome. Last evaluated: 2025-08-25. Review status: criteria provided, single submitter. Criteria: Invitae Variant Classification Sherloc (09022015). Collection method: clinical testing. Allele origin: germline.
Comment: This sequence change replaces methionine, which is neutral and non-polar, with leucine, which is neutral and non-polar, at codon 709 of the RELN protein (p.Met709Leu). This variant is present in population databases (rs114577182, gnomAD no frequency). This variant has not been reported in the literature in individuals affected with RELN-related conditions. ClinVar contains an entry for this variant (Variation ID: 194852). Invitae Evidence Modeling of protein sequence and biophysical properties (such as structural, functional, and spatial information, amino acid conservation, physicochemical variation, residue mobility, and thermodynamic stability) indicates that this missense variant is not expected to disrupt RELN protein function with a negative predictive value of 80%. In summary, the available evidence is currently insufficient to determine the role of this variant in disease. Therefore, it has been classified as a Variant of Uncertain Significance.

PreventionGenetics, part of Exact Sciences
Classification: Uncertain significance for RELN-related condition. Last evaluated: 2024-12-04. Review status: criteria provided, single submitter. Criteria: ACMG Guidelines, 2015. Collection method: clinical testing. Allele origin: germline.
Comment: The RELN c.2125A>T variant is predicted to result in the amino acid substitution p.Met709Leu. To our knowledge, this variant has not been reported in the literature or in a large population database (gnomAD), indicating this variant is rare. At this time, the clinical significance of this variant is uncertain due to the absence of conclusive functional and genetic evidence.

Blueprint Genetics
Classification: Uncertain significance. Last evaluated: 2024-09-23. Review status: criteria provided, single submitter. Criteria: ACMG Guidelines, 2015. Collection method: clinical testing. Allele origin: germline.

Ambry Genetics
Classification: Uncertain significance for Inborn genetic diseases. Last evaluated: 2021-08-09. Review status: criteria provided, single submitter. Criteria: Ambry Variant Classification Scheme 2023. Collection method: clinical testing. Allele origin: germline.

GeneDx
Classification: Uncertain significance. Last evaluated: 2017-06-21. Review status: criteria provided, single submitter. Criteria: GeneDx Variant Classification (06012015). Collection method: clinical testing. Allele origin: germline. Affected: yes.
Comment: A variant of uncertain significance has been identified in the RELN gene. The M709L variant has not been published as a pathogenic variant, nor has it been reported as a benign variant to our knowledge. The M709L variant is not observed in large population cohorts (Lek et al., 2016; 1000 Genomes Consortium et al., 2015; Exome Variant Server). The M709L variant is a conservative amino acid substitution, which is not likely to impact secondary protein structure as these residues share similar properties. This substitution occurs at a position that is not conserved. However, in silico analysis is inconsistent in its predictions as to whether or not the variant is damaging to the protein structure/function. Therefore, based on the currently available information, it is unclear whether this variant is a pathogenic variant or a rare benign variant.

Eurofins Ntd Llc (ga)
Classification: Uncertain significance. Last evaluated: 2014-07-07. Review status: criteria provided, single submitter. Criteria: EGL Classification Definitions 2015. Collection method: clinical testing. Allele origin: germline. Observed: 1 variant allele, 1 heterozygote.

NM_005045.4(RELN):c.2125A>T (p.Met709Leu)

Gene: RELN (reelin; minus strand). Cytogenetic location: 7q22.1.
Variant type: single nucleotide variant.
Coding change: c.2125A>T on transcript NM_005045.4 (MANE Select); coding-DNA position 2125, A replaced by T.
Protein change: p.Met709Leu; replaces methionine 709 with leucine.
Molecular consequence: missense variant.
Genome position (GRCh38, 1-based): chr7:103,636,413, T>A on the plus strand (A>T on the coding strand, the complement: RELN is on the minus strand). VCF-style: chr7-103636413-T-A. GRCh37 (hg19) VCF-style: chr7-103276860-T-A.
Other names: c.2125A>T, p.Met709Leu (NM_173054.3); short protein forms M709L.
Identifiers: ClinVar variation 194852 (VCV000194852.16), dbSNP rs114577182, ClinGen allele CA241042.
Genomic context (GRCh38, chr7:103,636,413, plus strand): 5'-TAGAGTAAAAGTTATGGTAAGAGGAGAGCCTGGAACTGCCAAAGCTTTCAGAAATAAACA[T>A]TGGGAATGTCTGGGATGCCATCTCACAAGCTGGGCCAGAAAATCCAGGGTCACACCTGAA-3'
Protein context (NP_005036.2, residues 699-719): ACEMASQTFP[Met709Leu]FISESFGSSR